The following is an entry in ClinVar:

NM_153240.5(NPHP3):c.22G>T (p.Val8Leu)

Genes: NPHP3 (nephrocystin 3; minus strand), NPHP3-ACAD11 (NPHP3-ACAD11 readthrough (NMD candidate); minus strand), NPHP3-AS1 (NPHP3 antisense RNA 1; plus strand). Cytogenetic location: 3q22.1.
Variant type: single nucleotide variant.
Coding change: c.22G>T on transcript NM_153240.5 (MANE Select); coding-DNA position 22, G replaced by T.
Protein change: p.Val8Leu; replaces valine 8 with leucine.
Molecular consequence: missense variant. On other transcripts: non-coding transcript variant (3).
Genome position (GRCh38, 1-based): chr3:132,722,334, C>A on the plus strand (G>T on the coding strand, the complement: NPHP3 is on the minus strand). VCF-style: chr3-132722334-C-A. GRCh37 (hg19) VCF-style: chr3-132441178-C-A.
Other names: short protein forms V8L.
Identifiers: ClinVar variation 1880240 (VCV001880240.5), dbSNP rs1375185866, ClinGen allele CA354590314.

ClinVar aggregate classification (germline): Uncertain significance (1 of 4 stars; one submission).

Conditions:
Nephronophthisis. Also called: Juvenile Nephronophthisis. Identifiers: HP:0000090, Orphanet 655, MedGen C0687120, MONDO:0019005.

Submission:

Labcorp Genetics (formerly Invitae), Labcorp
Classification: Uncertain significance for Nephronophthisis. Last evaluated: 2024-11-11. Review status: criteria provided, single submitter. Criteria: Invitae Variant Classification Sherloc (09022015). Collection method: clinical testing. Allele origin: germline.
Comment: This sequence change replaces valine, which is neutral and non-polar, with leucine, which is neutral and non-polar, at codon 8 of the NPHP3 protein (p.Val8Leu). The frequency data for this variant in the population databases is considered unreliable, as metrics indicate poor data quality at this position in the gnomAD database. This variant has not been reported in the literature in individuals affected with NPHP3-related conditions. ClinVar contains an entry for this variant (Variation ID: 1880240). Invitae Evidence Modeling of protein sequence and biophysical properties (such as structural, functional, and spatial information, amino acid conservation, physicochemical variation, residue mobility, and thermodynamic stability) indicates that this missense variant is not expected to disrupt NPHP3 protein function with a negative predictive value of 80%. In summary, the available evidence is currently insufficient to determine the role of this variant in disease. Therefore, it has been classified as a Variant of Uncertain Significance.